The following is an entry in ClinVar:

NM_019066.5(MAGEL2):c.1802del (p.Pro601fs)

Gene: MAGEL2 (MAGE family member L2; minus strand). Cytogenetic location: 15q11.2.
Variant type: Deletion.
Coding change: c.1802del on transcript NM_019066.5 (MANE Select); coding-DNA position 1802, one base deleted (C; older notation c.1802delC).
Protein change: p.Pro601fs; shifts the reading frame from proline 601.
Molecular consequence: frameshift variant.
Genome position (GRCh38, 1-based): chr15:23,645,941, G deleted on the plus strand (C on the coding strand, the reverse complement: MAGEL2 is on the minus strand); the first of 2 consecutive G bases (chr15:23,645,941-23,645,942); deleting either gives the same sequence. VCF-style (leftmost placement, unchanged base first): chr15-23645940-TG-T. GRCh37 (hg19) VCF-style: chr15-23891087-TG-T.
Other names: MAGEL2, 1-BP DEL, 1802C; short protein forms P601fs.
Identifiers: ClinVar variation 89001 (VCV000089001.3), dbSNP rs398122416, ClinGen allele CA145417.

ClinVar aggregate classification (germline): Pathogenic. Review status: criteria provided, single submitter (1 of 4 stars). 2 submissions from 2 submitters: Pathogenic (1). 1 of the submissions does not count toward it. Last evaluated 2017-09-01.

Conditions:
Schaaf-Yang syndrome (SHFYNG). Also called: MAGEL2-related Prader-Willi-like syndrome; Arthrogryposis, distal, with hypopituitarism, intellectual disability, and facial anomalies. Identifiers: Orphanet 398069, MedGen C5575066, MONDO:0014243, OMIM 615547.

Submissions (2):

Baylor Genetics
Classification: Pathogenic for Schaaf-Yang syndrome. Last evaluated: 2017-09-01. Review status: criteria provided, single submitter. Criteria: ACMG Guidelines, 2015. Collection method: clinical testing. Allele origin: germline. Inheritance: Autosomal dominant inheritance. Affected: yes.

OMIM
Classification: Pathogenic for SCHAAF-YANG SYNDROME. Last evaluated: 2013-11-01. Review status: no assertion criteria provided. Collection method: literature only. Allele origin: germline. Not counted in ClinVar's aggregate classification.

Literature cited by the submitters: PubMed 24076603 (cited by Baylor Genetics and OMIM); PubMed 25326635 (cited by Baylor Genetics).